The following is an entry in ClinVar:

ClinVar aggregate classification (germline): Uncertain significance (0 of 4 stars; one submission).

Conditions:
Familial cardiomyopathy. Identifiers: MedGen C0264789, MONDO:0005217.

Submission:

Evolutionary and Medical Genetics Laboratory,  Centre for Cellular and Molecular Biology
Classification: Uncertain significance. Review status: no assertion criteria provided. Collection method: not provided. Allele origin: unknown.
Comment: Missense mutation/Non-synonymous (frame shift)
ClinVar note: Converted during submission from unknown to Uncertain significance.

NM_000257.4(MYH7):c.1802dup (p.Asn602fs)

Gene: MYH7 (myosin heavy chain 7; minus strand). Cytogenetic location: 14q11.2.
Variant type: Duplication.
Coding change: c.1802dup on transcript NM_000257.4 (MANE Select); coding-DNA position 1802, one base duplicated (T; older notation c.1802dupT).
Protein change: p.Asn602fs; shifts the reading frame from asparagine 602.
Molecular consequence: frameshift variant.
Genome position (GRCh38, 1-based): chr14:23,427,671, A duplicated on the plus strand (T on the coding strand, the reverse complement: MYH7 is on the minus strand). VCF-style (leftmost placement, unchanged base first): chr14-23427670-G-GA. GRCh37 (hg19) VCF-style: chr14-23896879-G-GA.
Other names: N602K(fs); short protein forms N602fs.
Identifiers: ClinVar variation 162028 (VCV000162028.2), dbSNP rs672601321, ClinGen allele CA174959.